The following is an entry in ClinVar:

NM_002047.4(GARS1):c.1304A>G (p.Asn435Ser)

Gene: GARS1 (glycyl-tRNA synthetase 1; plus strand). Cytogenetic location: 7p14.3.
Variant type: single nucleotide variant.
Coding change: c.1304A>G on transcript NM_002047.4 (MANE Select); coding-DNA position 1304, A replaced by G.
Protein change: p.Asn435Ser; replaces asparagine 435 with serine.
Molecular consequence: missense variant.
Genome position (GRCh38, 1-based): chr7:30,617,223, A>G. VCF-style: chr7-30617223-A-G. GRCh37 (hg19) VCF-style: chr7-30656839-A-G.
Other names: c.1142A>G, p.Asn381Ser (NM_001316772.1); short protein forms N381S, N435S.
Identifiers: ClinVar variation 2682214 (VCV002682214.1), dbSNP rs2534313888, ClinGen allele CA367127307.

ClinVar aggregate classification (germline): Uncertain significance (1 of 4 stars; one submission).

Submission:

Women's Health and Genetics/Laboratory Corporation of America, LabCorp
Classification: Uncertain significance. Last evaluated: 2023-11-21. Review status: criteria provided, single submitter. Criteria: LabCorp Variant Classification Summary - May 2015. Collection method: clinical testing. Allele origin: germline.
Comment: Variant summary: GARS1 c.1304A>G (p.Asn435Ser) results in a conservative amino acid change located in the Aminoacyl-tRNA synthetase, class II (IPR006195) of the encoded protein sequence. Three of five in-silico tools predict a benign effect of the variant on protein function. The variant was absent in 249320 control chromosomes. The available data on variant occurrences in the general population are insufficient to allow any conclusion about variant significance. To our knowledge, no occurrence of c.1304A>G in individuals affected with GARS1-Related Disorders and no experimental evidence demonstrating its impact on protein function have been reported. No submitters have cited clinical-significance assessments for this variant to ClinVar after 2014. Based on the evidence outlined above, the variant was classified as uncertain significance.